The following is an entry in ClinVar:

NM_001130021.3(ATP6V0A1):c.209A>G (p.Lys70Arg)

Gene: ATP6V0A1 (ATPase H+ transporting V0 subunit a1; plus strand). Cytogenetic location: 17q21.2.
Variant type: single nucleotide variant.
Coding change: c.209A>G on transcript NM_001130021.3 (MANE Select); coding-DNA position 209, A replaced by G.
Protein change: p.Lys70Arg; replaces lysine 70 with arginine.
Molecular consequence: missense variant.
Genome position (GRCh38, 1-based): chr17:42,468,022, A>G. VCF-style: chr17-42468022-A-G. GRCh37 (hg19) VCF-style: chr17-40620040-A-G.
Other names: c.209A>G, p.Lys70Arg (NM_001378547.1, NM_001378548.1, NM_001378550.1 and 25 more transcripts); c.29A>G, p.Lys10Arg (NM_001378549.1, NM_001378543.1); short protein forms K10R, K70R.
Identifiers: ClinVar variation 4883306 (VCV004883306.2).

ClinVar aggregate classification (germline): Uncertain significance (1 of 4 stars; one submission).

Conditions:
Developmental and epileptic encephalopathy 104 (DEE104). Identifiers: MedGen C5774183, MONDO:0031021, OMIM 619970.

Submission:

Dasa
Classification: Uncertain significance for Developmental and epileptic encephalopathy 104. Last evaluated: 2025-07-20. Review status: criteria provided, single submitter. Criteria: DASA Assertion Criteria. Collection method: clinical testing. Allele origin: germline.
Comment: NM_001130021.3(ATP6V0A1):c.209A>G (p.Lys70Arg) is a missense variant that results in the substitution of lysine with arginine. This variant is absent from population databases. The currently available literature and clinical evidence are not sufficient to establish a definitive association between this variant and the reported condition. Therefore, this variant is classified as a variant of uncertain significance.